The following is an entry in ClinVar:

ClinVar aggregate classification (germline): Uncertain significance. Review status: criteria provided, multiple submitters, no conflicts (2 of 4 stars). 3 submissions from 3 submitters: Uncertain significance (3). Last evaluated 2026-01-20.

Conditions:
Inborn genetic diseases. Identifiers: MedGen C0950123, MeSH D030342.
ADCY1-related disorder. Also called: ADCY1-related condition.

gnomAD v4.1: 2 of 1,614,184 alleles (0.00012%); highest among the groups gnomAD compares: Non-Finnish European, 0.00017%; no homozygotes.

Submissions (3):

PreventionGenetics, part of Exact Sciences
Classification: Uncertain significance for ADCY1-related condition. Last evaluated: 2026-01-20. Review status: criteria provided, single submitter. Criteria: ACMG Guidelines, 2015. Collection method: clinical testing. Allele origin: germline.
Comment: The ADCY1 c.1804C>T variant is predicted to result in the amino acid substitution p.His602Tyr. To our knowledge, this variant has not been reported in the literature or in a large population database (gnomAD), indicating this variant is rare. At this time, the clinical significance of this variant is uncertain due to the absence of conclusive functional and genetic evidence.

Labcorp Genetics (formerly Invitae), Labcorp
Classification: Uncertain significance. Last evaluated: 2025-11-14. Review status: criteria provided, single submitter. Criteria: Invitae Variant Classification Sherloc (09022015). Collection method: clinical testing. Allele origin: germline.
Comment: This sequence change replaces histidine, which is basic and polar, with tyrosine, which is neutral and polar, at codon 602 of the ADCY1 protein (p.His602Tyr). This variant is present in population databases (rs747116470, gnomAD 0.0009%). This variant has not been reported in the literature in individuals affected with ADCY1-related conditions. ClinVar contains an entry for this variant (Variation ID: 4234779). Invitae Evidence Modeling of protein sequence and biophysical properties (such as structural, functional, and spatial information, amino acid conservation, physicochemical variation, residue mobility, and thermodynamic stability) has been performed for this missense variant. However, the output from this modeling did not meet the statistical confidence thresholds required to predict the impact of this variant on ADCY1 protein function. In summary, the available evidence is currently insufficient to determine the role of this variant in disease. Therefore, it has been classified as a Variant of Uncertain Significance.

Ambry Genetics
Classification: Uncertain significance for Inborn genetic diseases. Last evaluated: 2025-08-27. Review status: criteria provided, single submitter. Criteria: Ambry Variant Classification Scheme 2023. Collection method: clinical testing. Allele origin: germline.

NM_021116.4(ADCY1):c.1804C>T (p.His602Tyr)

Gene: ADCY1 (adenylate cyclase 1; plus strand). Cytogenetic location: 7p12.3.
Variant type: single nucleotide variant.
Coding change: c.1804C>T on transcript NM_021116.4 (MANE Select); coding-DNA position 1804, C replaced by T.
Protein change: p.His602Tyr; replaces histidine 602 with tyrosine.
Molecular consequence: missense variant.
Genome position (GRCh38, 1-based): chr7:45,678,169, C>T. VCF-style: chr7-45678169-C-T. GRCh37 (hg19) VCF-style: chr7-45717768-C-T.
Other names: short protein forms H602Y.
Identifiers: ClinVar variation 4234779 (VCV004234779.3).